The following is an entry in ClinVar:

ClinVar aggregate classification (germline): Uncertain significance. Review status: criteria provided, multiple submitters, no conflicts (2 of 4 stars). 2 submissions from 2 submitters: Uncertain significance (2). Last evaluated 2025-11-03.

Conditions:
Inborn genetic diseases. Identifiers: MedGen C0950123, MeSH D030342.

Submissions (2):

Labcorp Genetics (formerly Invitae), Labcorp
Classification: Uncertain significance. Last evaluated: 2025-11-03. Review status: criteria provided, single submitter. Criteria: Invitae Variant Classification Sherloc (09022015). Collection method: clinical testing. Allele origin: germline.
Comment: This sequence change replaces glycine, which is neutral and non-polar, with arginine, which is basic and polar, at codon 314 of the LEMD3 protein (p.Gly314Arg). This variant is not present in population databases (gnomAD no frequency). This variant has not been reported in the literature in individuals affected with LEMD3-related conditions. ClinVar contains an entry for this variant (Variation ID: 3537817). Invitae Evidence Modeling of protein sequence and biophysical properties (such as structural, functional, and spatial information, amino acid conservation, physicochemical variation, residue mobility, and thermodynamic stability) has been performed for this missense variant. However, the output from this modeling did not meet the statistical confidence thresholds required to predict the impact of this variant on LEMD3 protein function. In summary, the available evidence is currently insufficient to determine the role of this variant in disease. Therefore, it has been classified as a Variant of Uncertain Significance.

Ambry Genetics
Classification: Uncertain significance for Inborn genetic diseases. Last evaluated: 2024-08-27. Review status: criteria provided, single submitter. Criteria: Ambry Variant Classification Scheme 2023. Collection method: clinical testing. Allele origin: germline.

NM_014319.5(LEMD3):c.940G>A (p.Gly314Arg)

Gene: LEMD3 (LEM domain containing 3; plus strand). Cytogenetic location: 12q14.3.
Variant type: single nucleotide variant.
Coding change: c.940G>A on transcript NM_014319.5 (MANE Select); coding-DNA position 940, G replaced by A.
Protein change: p.Gly314Arg; replaces glycine 314 with arginine.
Molecular consequence: missense variant.
Genome position (GRCh38, 1-based): chr12:65,170,536, G>A. VCF-style: chr12-65170536-G-A. GRCh37 (hg19) VCF-style: chr12-65564316-G-A.
Other names: c.940G>A, p.Gly314Arg (NM_001167614.2); short protein forms G314R.
Identifiers: ClinVar variation 3537817 (VCV003537817.2).